The following is an entry in ClinVar:

NM_002336.3(LRP6):c.2858A>G (p.Gln953Arg)

Gene: LRP6 (LDL receptor related protein 6; minus strand). Cytogenetic location: 12p13.2.
Variant type: single nucleotide variant.
Coding change: c.2858A>G on transcript NM_002336.3 (MANE Select); coding-DNA position 2858, A replaced by G.
Protein change: p.Gln953Arg; replaces glutamine 953 with arginine.
Molecular consequence: missense variant. On other transcripts: non-coding transcript variant (1).
Genome position (GRCh38, 1-based): chr12:12,150,972, T>C on the plus strand (A>G on the coding strand, the complement: LRP6 is on the minus strand). VCF-style: chr12-12150972-T-C. GRCh37 (hg19) VCF-style: chr12-12303906-T-C.
Other names: c.2858A>G, p.Gln953Arg (NM_001414248.1, NM_001414249.1, NM_001414250.1 and 4 more transcripts); c.2405A>G, p.Gln802Arg (NM_001414252.1, NM_001414253.1, NM_001414254.1); c.2351A>G, p.Gln784Arg (NM_001414255.1); c.2660A>G, p.Gln887Arg (NM_001414247.1); short protein forms Q887R, Q784R, Q802R, Q953R.
Identifiers: ClinVar variation 2836406 (VCV002836406.3), dbSNP rs2498770319, ClinGen allele CA383942455.
Genomic context (GRCh38, chr12:12,150,972, plus strand): 5'-TCATAGTCAATGGCCCGGACATTCCGAAGGCTGTGGATGGGAAGGATGATGTCGGGGCTC[T>C]GTTGTTCATCAATCACCATGCGGTTGATGGCACTCTTTTGACTGAAGAGCAGGAAAGTCG-3'
Protein context (NP_002327.2, residues 943-963): AINRMVIDEQ[Gln953Arg]SPDIILPIHS

ClinVar aggregate classification (germline): Uncertain significance (1 of 4 stars; one submission).

Submission:

Labcorp Genetics (formerly Invitae), Labcorp
Classification: Uncertain significance. Last evaluated: 2023-02-11. Review status: criteria provided, single submitter. Criteria: Invitae Variant Classification Sherloc (09022015). Collection method: clinical testing. Allele origin: germline.
Comment: This sequence change replaces glutamine, which is neutral and polar, with arginine, which is basic and polar, at codon 953 of the LRP6 protein (p.Gln953Arg). This variant is not present in population databases (gnomAD no frequency). In summary, the available evidence is currently insufficient to determine the role of this variant in disease. Therefore, it has been classified as a Variant of Uncertain Significance. Advanced modeling of protein sequence and biophysical properties (such as structural, functional, and spatial information, amino acid conservation, physicochemical variation, residue mobility, and thermodynamic stability) performed at Invitae indicates that this missense variant is not expected to disrupt LRP6 protein function. This variant has not been reported in the literature in individuals affected with LRP6-related conditions.